The following is an entry in ClinVar:

ClinVar aggregate classification (germline): Conflicting classifications of pathogenicity. Review status: criteria provided, conflicting classifications (1 of 4 stars). 3 submissions from 3 submitters: Uncertain significance (2); Likely benign (1). Last evaluated 2024-08-20.

Conditions:
Ullrich congenital muscular dystrophy 2 (UCMD2). Identifiers: Orphanet 75840, MedGen C4225314, MONDO:0014654, OMIM 616470.
Bethlem myopathy 2 (BTHLM2). Identifiers: Orphanet 536516, Orphanet 610, MedGen C4225313, MONDO:0034022, OMIM 616471.

Allele frequency attached by ClinVar (database versions not stated): gnomAD exomes below 0.00001 and 0.00001; TOPMed 0.00001; ExAC 0.00002.
gnomAD v4.1: 7 of 1,611,972 alleles (0.00043%); highest among the groups gnomAD compares: Middle Eastern, 0.017%; no homozygotes.

Submissions (3):

Labcorp Genetics (formerly Invitae), Labcorp
Classification: Likely benign for Bethlem myopathy 2; Ullrich congenital muscular dystrophy 2. Last evaluated: 2024-08-20. Review status: criteria provided, single submitter. Criteria: Invitae Variant Classification Sherloc (09022015). Collection method: clinical testing. Allele origin: germline.

Department of Pathology and Laboratory Medicine, Sinai Health System
Classification: Uncertain significance for Bethlem myopathy 2. Last evaluated: 2021-09-09. Review status: criteria provided, single submitter. Criteria: ACMG Guidelines, 2015. Collection method: research. Allele origin: germline.

Center for Genomics, Ann and Robert H. Lurie Children's Hospital of Chicago
Classification: Uncertain significance for Ullrich congenital muscular dystrophy 2; Bethlem myopathy 2. Last evaluated: 2021-07-08. Review status: criteria provided, single submitter. Criteria: ACMG Guidelines, 2015. Collection method: clinical testing. Allele origin: germline.
Comment: COL12A1 NM_004370.5 exon 44 p.Val2342Ile (c.7024G>A): This variant has not been reported in the literature and is not present in large control databases. Evolutionary conservation suggests that this variant may impact the protein; computational predictive tools for this variant are unclear. In summary, data on this variant is insufficient for disease classification. Therefore, the clinical significance of this variant is uncertain.

NM_004370.6(COL12A1):c.7024G>A (p.Val2342Ile)

Gene: COL12A1 (collagen type XII alpha 1 chain; minus strand). Cytogenetic location: 6q13.
Variant type: single nucleotide variant.
Coding change: c.7024G>A on transcript NM_004370.6 (MANE Select); coding-DNA position 7024, G replaced by A.
Protein change: p.Val2342Ile; replaces valine 2342 with isoleucine.
Molecular consequence: missense variant.
Genome position (GRCh38, 1-based): chr6:75,121,364, C>T on the plus strand (G>A on the coding strand, the complement: COL12A1 is on the minus strand). VCF-style: chr6-75121364-C-T. GRCh37 (hg19) VCF-style: chr6-75831080-C-T.
Other names: c.3532G>A, p.Val1178Ile (NM_080645.3); short protein forms V1178I, V2342I.
Identifiers: ClinVar variation 1399371 (VCV001399371.10), dbSNP rs745852751, ClinGen allele CA3892667.
Genomic context (GRCh38, chr6:75,121,364, plus strand): 5'-GAATCCCAGCAGGACTGATTTCATCAAAGCCTCCCACAGTATTGAAGATGAATTTTACAA[C>T]TTTGTTAAAATTATCGTCCCCAATGCTCCAGGAGGCATCAGTCAAGAACACAATATCTGC-3'
Protein context (NP_004361.3, residues 2332-2352): WSIGDDNFNK[Val2342Ile]VKFIFNTVGG